The following is an entry in ClinVar:

ClinVar aggregate classification (germline): Pathogenic/Likely pathogenic. Review status: criteria provided, multiple submitters, no conflicts (2 of 4 stars). 3 submissions from 3 submitters: Pathogenic (1); Likely pathogenic (2). Last evaluated 2023-01-13.

Conditions:
MPZ-related disorder. Also called: MPZ-related condition; MPZ-related disorders.
Inborn genetic diseases. Identifiers: MedGen C0950123, MeSH D030342.

Submissions (3):

Ambry Genetics
Classification: Likely pathogenic for Inborn genetic diseases. Last evaluated: 2023-01-13. Review status: criteria provided, single submitter. Criteria: Ambry Variant Classification Scheme 2023. Collection method: clinical testing. Allele origin: germline.
Comment: The c.699_702delTGAG (p.S233Rfs*18) alteration, located in exon 6 (coding exon 6) of the MPZ gene, consists of a deletion of 4 nucleotides from position 699 to 702, causing a translational frameshift with a predicted alternate stop codon after 18 amino acids. This alteration occurs at the 3' terminus of the MPZ gene, is not expected to trigger nonsense-mediated mRNA decay, and only impacts the last 6.5% of the protein. However, premature stop codons are typically deleterious in nature and the impacted region is critical for protein function (Ambry internal data). Based on the supporting evidence, this variant is expected to be causative of autosomal recessive MPZ-related Dejerine-Sottas disease and autosomal dominant MPZ-related Charcot-Marie-Tooth disease, type 1; however, its clinical significance for other autosomal dominant MPZ-related neuropathic disorders is unclear. This variant was not reported in population-based cohorts in the Genome Aggregation Database (gnomAD). This alteration was detected in the heterozygous state in multiple individuals with MPZ-related disorders (Subr&eacute;ville, 2021; Mandich, 2009; Lee, 2005; Lee, 2004; Bellone,1996, Ambry internal data). Based on internal structural analysis, this alteration disrupts the PKC-mediated phosphorylation of Ser233 which is necessary for P0 adhesion function (Xu, 2001; Hilmi, 1995). Functional assays show increased protein aggregation in the cytoplasm and reduced cell adhesion in vitro (Lee, 2010). Based on the available evidence, this alteration is classified as likely pathogenic.

Blueprint Genetics
Classification: Pathogenic for MPZ-related disorders. Last evaluated: 2022-04-20. Review status: criteria provided, single submitter. Criteria: ACMG Guidelines, 2015. Collection method: clinical testing. Allele origin: germline. Affected: yes. Observed: 1 variant allele.

GeneDx
Classification: Likely pathogenic. Last evaluated: 2018-08-01. Review status: criteria provided, single submitter. Criteria: GeneDx Variant Classification (06012015). Collection method: clinical testing. Allele origin: germline. Affected: yes.
Comment: A variant that is likely pathogenic has been identified in the MPZ gene. The c.699_702delTGAG variant has been reported previously as 1560del4, using alternative nomenclature, in 3 members of a family with CMT (Bellone et al., 1996). Functional studies showing abnormal aggregation of c.699_702delTGAG mutant cells in the ER, reported as S233fs due to the use of alternative nomenclature, suggest a disruption of normal MPZ function (Lee et al., 2010). The deletion causes a frameshift starting with codon Serine 233, changes this amino acid to an Arginine residue and creates a premature Stop codon at position 18 of the new reading frame, denoted p.Ser233ArgfsX18. This variant alters the protein as the last 16 amino acids are replaced by 17 incorrect amino acids. The c.699_702delTGAG variant is not observed in large population cohorts (Lek et al., 2016). Therefore, this variant is likely pathogenic; however, the possibility that it is benign cannot be excluded.

Literature cited by the submitters: PubMed 7530295 (cited by Ambry Genetics); PubMed 8723697 (cited by Ambry Genetics); PubMed 11673479 (cited by Ambry Genetics); PubMed 15050444 (cited by Ambry Genetics); PubMed 15729519 (cited by Ambry Genetics); PubMed 19293842 (cited by Ambry Genetics); PubMed 20461396 (cited by Ambry Genetics); PubMed 34060176 (cited by Ambry Genetics).

NM_000530.8(MPZ):c.699_702del (p.Ser233fs)

Gene: MPZ (myelin protein zero; minus strand). Cytogenetic location: 1q23.3.
Variant type: Deletion.
Coding change: c.699_702del on transcript NM_000530.8 (MANE Select); coding-DNA positions 699 to 702, 4 bases deleted (TGAG; older notation c.699_702delTGAG).
Protein change: p.Ser233fs; shifts the reading frame from serine 233.
Molecular consequence: frameshift variant.
Genome position (GRCh38, 1-based): chr1:161,305,921-161,305,924, CTCA deleted on the plus strand (TGAG on the coding strand, the reverse complement: MPZ is on the minus strand); deleting any 4 consecutive bases within chr1:161,305,921-161,305,926 gives the same sequence; the c. name uses the placement nearest the transcript's 3' end. VCF-style (leftmost placement, unchanged base first): chr1-161305920-TCTCA-T. GRCh37 (hg19) VCF-style: chr1-161275710-TCTCA-T.
Other names: c.699_702del, p.Ser233fs (NM_001315491.2); short protein forms S233fs.
Identifiers: ClinVar variation 817625 (VCV000817625.4), dbSNP rs1571817103, ClinGen allele CA915943852.